The following is an entry in ClinVar:

ClinVar aggregate classification (germline): Uncertain significance (1 of 4 stars; one submission).

Submission:

CeGaT Center for Human Genetics Tuebingen
Classification: Uncertain significance. Last evaluated: 2024-03-01. Review status: criteria provided, single submitter. Criteria: CeGaT Center For Human Genetics Tuebingen Variant Classification Criteria Version 2. Collection method: clinical testing. Allele origin: germline. Affected: yes. Observed: 1 variant allele.
Comment: CUX2: PM2

NM_015267.4(CUX2):c.1046T>C (p.Ile349Thr)

Gene: CUX2 (cut like homeobox 2; plus strand). Cytogenetic location: 12q24.12.
Variant type: single nucleotide variant.
Coding change: c.1046T>C on transcript NM_015267.4 (MANE Select); coding-DNA position 1046, T replaced by C.
Protein change: p.Ile349Thr; replaces isoleucine 349 with threonine.
Molecular consequence: missense variant.
Genome position (GRCh38, 1-based): chr12:111,307,108, T>C. VCF-style: chr12-111307108-T-C. GRCh37 (hg19) VCF-style: chr12-111744912-T-C.
Other names: c.860T>C, p.Ile287Thr (NM_001370598.1); short protein forms I287T, I349T.
Identifiers: ClinVar variation 3067613 (VCV003067613.21), dbSNP rs2499819429, ClinGen allele CA386707998.